The following is an entry in ClinVar:

NM_001378122.1(SH3D19):c.1176A>G (p.Ile392Met)

Gene: SH3D19 (SH3 domain containing 19; minus strand). Cytogenetic location: 4q31.3.
Variant type: single nucleotide variant.
Coding change: c.1176A>G on transcript NM_001378122.1 (MANE Select); coding-DNA position 1176, A replaced by G.
Protein change: p.Ile392Met; replaces isoleucine 392 with methionine.
Molecular consequence: missense variant.
Genome position (GRCh38, 1-based): chr4:151,175,028, T>C on the plus strand (A>G on the coding strand, the complement: SH3D19 is on the minus strand). VCF-style: chr4-151175028-T-C. GRCh37 (hg19) VCF-style: chr4-152096180-T-C.
Other names: c.336A>G, p.Ile112Met (NM_001009555.4, NM_001128923.2, NM_001128924.2 and 7 more transcripts); c.1176A>G, p.Ile392Met (NM_001378121.1); c.999A>G, p.Ile333Met (NM_001378123.1, NM_001378124.1); short protein forms I112M, I333M, I392M.
Identifiers: ClinVar variation 2655124 (VCV002655124.24), dbSNP rs72723740, ClinGen allele CA3104887.
Genomic context (GRCh38, chr4:151,175,028, plus strand): 5'-CCCACTATCAGAGCTCTCAGCCAGGGGCCCTCTTCCCGGAATCTCAGGATTAACACTTCG[T>C]ATAAGGCCAGGGTTTGGTTTCTTTGGCAATTCAGGTTTGGTTACTGGGATGCTTCCCGCT-3'
Protein context (NP_001365051.1, residues 382-402): ELPKKPNPGL[Ile392Met]RSVNPEIPGR

ClinVar aggregate classification (germline): Likely benign (1 of 4 stars; one submission).

Allele frequency attached by ClinVar (database versions not stated): 1000 Genomes Project 0.00140; 1000 Genomes Project 30x 0.00187; TOPMed 0.00220; ESP Exome Variant Server 0.00254; ExAC 0.00257; gnomAD 0.00267; gnomAD exomes 0.00300.
gnomAD v4.1: 4,778 of 1,614,176 alleles (0.3%); highest among the groups gnomAD compares: Non-Finnish European, 0.32%; 7 homozygotes.

Submission:

CeGaT Center for Human Genetics Tuebingen
Classification: Likely benign. Last evaluated: 2024-11-01. Review status: criteria provided, single submitter. Criteria: CeGaT Center For Human Genetics Tuebingen Variant Classification Criteria Version 2. Collection method: clinical testing. Allele origin: germline. Affected: yes. Observed: 2 variant alleles.
Comment: SH3D19: BP4, BS2